The following is an entry in ClinVar:

NM_020822.3(KCNT1):c.325C>T (p.Gln109Ter)

Gene: KCNT1 (potassium sodium-activated channel subfamily T member 1; plus strand). Cytogenetic location: 9q34.3.
Variant type: single nucleotide variant.
Coding change: c.325C>T on transcript NM_020822.3 (MANE Select); coding-DNA position 325, C replaced by T.
Protein change: p.Gln109Ter; replaces glutamine 109 with a stop codon.
Molecular consequence: nonsense.
Genome position (GRCh38, 1-based): chr9:135,750,168, C>T. VCF-style: chr9-135750168-C-T. GRCh37 (hg19) VCF-style: chr9-138642014-C-T.
Other names: c.181C>T, p.Gln61Ter (NM_001272003.2); short protein forms Q109*, Q61*.
Identifiers: ClinVar variation 4785516 (VCV004785516.1).
Genomic context (GRCh38, chr9:135,750,168, plus strand): 5'-GAGTTCTACGTCAACGAGAACACCTTCAAGGAGCGGCTCAAGCTGTTCTTCATCAAAAAC[C>T]AAAGATCGAGTGAGTGGGGTGCCTGGAGGGCCACTCCCAGGCAGGGAGGTGTTGAGGGCG-3'

ClinVar aggregate classification (germline): Uncertain significance (1 of 4 stars; one submission).

Conditions:
Autosomal dominant nocturnal frontal lobe epilepsy 5. Also called: CILIARY DYSKINESIA, PRIMARY, 28, WITHOUT SITUS INVERSUS; CILIARY DYSKINESIA, PRIMARY, 28, WITH SITUS INVERSUS; KCNT1-Related Epilepsy; Epilepsy, nocturnal frontal lobe, 5. Identifiers: Orphanet 98784, MedGen C3554306, MONDO:0014002, OMIM 615005.
Developmental and epileptic encephalopathy, 14 (DEE14). Also called: Early infantile epileptic encephalopathy 14. Identifiers: Orphanet 293181, MedGen C3554195, MONDO:0013989, OMIM 614959.

Submission:

Labcorp Genetics (formerly Invitae), Labcorp
Classification: Uncertain significance for Autosomal dominant nocturnal frontal lobe epilepsy 5; Developmental and epileptic encephalopathy, 14. Last evaluated: 2025-07-08. Review status: criteria provided, single submitter. Criteria: Invitae Variant Classification Sherloc (09022015). Collection method: clinical testing. Allele origin: germline.
Comment: This sequence change creates a premature translational stop signal (p.Gln109*) in the KCNT1 gene. It is expected to result in an absent or disrupted protein product. However, the current clinical and genetic evidence is not sufficient to establish whether loss-of-function variants in KCNT1 cause disease. This variant is not present in population databases (gnomAD no frequency). This variant has not been reported in the literature in individuals affected with KCNT1-related conditions. In summary, the available evidence is currently insufficient to determine the role of this variant in disease. Therefore, it has been classified as a Variant of Uncertain Significance.